The following is an entry in ClinVar:

ClinVar aggregate classification (germline): Uncertain significance (0 of 4 stars; one submission).

Conditions:
PCNT-related disorder. Also called: PCNT-related condition.

gnomAD v4.1: 32 of 1,613,980 alleles (0.002%); highest among the groups gnomAD compares: South Asian, 0.013%; no homozygotes.

Submission:

PreventionGenetics, part of Exact Sciences
Classification: Uncertain significance for PCNT-related condition. Last evaluated: 2024-04-16. Review status: no assertion criteria provided. Collection method: clinical testing. Allele origin: germline.
Comment: The PCNT c.1520G>A variant is predicted to result in the amino acid substitution p.Arg507Gln. To our knowledge, this variant has not been reported in the literature. This variant is reported in 0.0087% of alleles in individuals of Latino descent in gnomAD. At this time, the clinical significance of this variant is uncertain due to the absence of conclusive functional and genetic evidence.

NM_006031.6(PCNT):c.1520G>A (p.Arg507Gln)

Gene: PCNT (pericentrin; plus strand). Cytogenetic location: 21q22.3.
Variant type: single nucleotide variant.
Coding change: c.1520G>A on transcript NM_006031.6 (MANE Select); coding-DNA position 1520, G replaced by A.
Protein change: p.Arg507Gln; replaces arginine 507 with glutamine.
Molecular consequence: missense variant.
Genome position (GRCh38, 1-based): chr21:46,353,167, G>A. VCF-style: chr21-46353167-G-A. GRCh37 (hg19) VCF-style: chr21-47773081-G-A.
Other names: c.1166G>A, p.Arg389Gln (NM_001315529.2); short protein forms R389Q, R507Q.
Identifiers: ClinVar variation 3354967 (VCV003354967.1).